The following is an entry in ClinVar:

NM_002292.4(LAMB2):c.2573G>A (p.Gly858Glu)

Genes: LAMB2 (laminin subunit beta 2; minus strand), LOC129936738 (ATAC-STARR-seq lymphoblastoid active region 19855; plus strand). Cytogenetic location: 3p21.31.
Variant type: single nucleotide variant.
Coding change: c.2573G>A on transcript NM_002292.4 (MANE Select); coding-DNA position 2573, G replaced by A.
Protein change: p.Gly858Glu; replaces glycine 858 with glutamic acid.
Molecular consequence: missense variant.
Genome position (GRCh38, 1-based): chr3:49,125,400, C>T on the plus strand (G>A on the coding strand, the complement: LAMB2 is on the minus strand). VCF-style: chr3-49125400-C-T. GRCh37 (hg19) VCF-style: chr3-49162833-C-T.
Other names: short protein forms G858E.
Identifiers: ClinVar variation 1714894 (VCV001714894.6), dbSNP rs766974197, ClinGen allele CA352719927.

ClinVar aggregate classification (germline): Uncertain significance (1 of 4 stars; one submission).

Conditions:
Pierson syndrome. Also called: MICROCORIA-CONGENITAL NEPHROTIC SYNDROME. Identifiers: Orphanet 2670, MedGen C1836876, MONDO:0012184, OMIM 609049.
LAMB2-related infantile-onset nephrotic syndrome. Also called: Nephrotic Syndrome, type 5; NEPHROTIC SYNDROME, TYPE 5, WITHOUT OCULAR ABNORMALITIES; NEPHROTIC SYNDROME, TYPE 5, WITH OCULAR ABNORMALITIES. Identifiers: Orphanet 306507, MedGen C3280113, MONDO:0013621, OMIM 614199.

Submission:

Labcorp Genetics (formerly Invitae), Labcorp
Classification: Uncertain significance for LAMB2-related infantile-onset nephrotic syndrome; Pierson syndrome. Last evaluated: 2022-08-03. Review status: criteria provided, single submitter. Criteria: Invitae Variant Classification Sherloc (09022015). Collection method: clinical testing. Allele origin: germline.
Comment: Algorithms developed to predict the effect of missense changes on protein structure and function (SIFT, PolyPhen-2, Align-GVGD) all suggest that this variant is likely to be disruptive. This variant has not been reported in the literature in individuals affected with LAMB2-related conditions. This variant is not present in population databases (gnomAD no frequency). This sequence change replaces glycine, which is neutral and non-polar, with glutamic acid, which is acidic and polar, at codon 858 of the LAMB2 protein (p.Gly858Glu). In summary, the available evidence is currently insufficient to determine the role of this variant in disease. Therefore, it has been classified as a Variant of Uncertain Significance.